The following is an entry in ClinVar:

NM_006946.4(SPTBN2):c.4233C>A (p.Tyr1411Ter)

Gene: SPTBN2 (spectrin beta, non-erythrocytic 2; minus strand). Cytogenetic location: 11q13.2.
Variant type: single nucleotide variant.
Coding change: c.4233C>A on transcript NM_006946.4 (MANE Select); coding-DNA position 4233, C replaced by A.
Protein change: p.Tyr1411Ter; replaces tyrosine 1411 with a stop codon.
Molecular consequence: nonsense.
Genome position (GRCh38, 1-based): chr11:66,696,322, G>T on the plus strand (C>A on the coding strand, the complement: SPTBN2 is on the minus strand). VCF-style: chr11-66696322-G-T. GRCh37 (hg19) VCF-style: chr11-66463793-G-T.
Other names: c.4254C>A, p.Tyr1418Ter (NM_001411025.1); short protein forms Y1411*, Y1418*.
Identifiers: ClinVar variation 2810551 (VCV002810551.3), dbSNP rs151331478, ClinGen allele CA381470733.

ClinVar aggregate classification (germline): Pathogenic (1 of 4 stars; one submission).

Submission:

Labcorp Genetics (formerly Invitae), Labcorp
Classification: Pathogenic. Last evaluated: 2023-07-17. Review status: criteria provided, single submitter. Criteria: Invitae Variant Classification Sherloc (09022015). Collection method: clinical testing. Allele origin: germline.
Comment: For these reasons, this variant has been classified as Pathogenic. Algorithms developed to predict the effect of sequence changes on RNA splicing suggest that this variant may create or strengthen a splice site. This variant has not been reported in the literature in individuals affected with SPTBN2-related conditions. This variant is not present in population databases (gnomAD no frequency). This sequence change creates a premature translational stop signal (p.Tyr1411*) in the SPTBN2 gene. It is expected to result in an absent or disrupted protein product. Loss-of-function variants in SPTBN2 are known to be pathogenic (PMID: 28636205).

Literature cited by the submitters: PubMed 28636205.